The following is an entry in ClinVar:

ClinVar aggregate classification (germline): Uncertain significance (1 of 4 stars; one submission).

Conditions:
Cardiovascular phenotype. Identifiers: MedGen CN230736.

Submission:

Ambry Genetics
Classification: Uncertain significance for Cardiovascular phenotype. Last evaluated: 2025-07-24. Review status: criteria provided, single submitter. Criteria: Ambry Variant Classification Scheme 2023. Collection method: clinical testing. Allele origin: germline.
Comment: The c.249delC variant, located in coding exon 3 of the TRPM4 gene, results from a deletion of one nucleotide at nucleotide position 249, causing a translational frameshift with a predicted alternate stop codon (p.G84Afs*194). This alteration is expected to result in protein truncation or nonsense-mediated mRNA decay. However, loss of function of TRPM4 has not been established as a mechanism of disease. Based on the available evidence, the clinical significance of this alteration remains unclear.

NM_017636.4(TRPM4):c.249del (p.Gly84fs)

Gene: TRPM4 (transient receptor potential cation channel subfamily M member 4; plus strand). Cytogenetic location: 19q13.33.
Variant type: Deletion.
Coding change: c.249del on transcript NM_017636.4 (MANE Select); coding-DNA position 249, one base deleted (C; older notation c.249delC).
Protein change: p.Gly84fs; shifts the reading frame from glycine 84.
Molecular consequence: frameshift variant. On other transcripts: 5 prime UTR variant (1), intron variant (2).
Genome position (GRCh38, 1-based): chr19:49,166,197, C deleted; the last of 2 consecutive C bases (chr19:49,166,196-49,166,197); deleting either gives the same sequence. VCF-style (leftmost placement, unchanged base first): chr19-49166195-GC-G. GRCh37 (hg19) VCF-style: chr19-49669452-GC-G.
Other names: c.249del, p.Gly84fs (NM_001195227.2, NM_001321281.2); c.-1124del (NM_001321282.2); c.-74-2063del (NM_001321283.2); c.-237-2356del (NM_001321285.2); short protein forms G84fs.
Identifiers: ClinVar variation 4191754 (VCV004191754.1).
Genomic context (GRCh38, chr19:49,166,195, plus strand): 5'-AGCGATGCACACACCACGGAGAAGCCCACCGATGCCTACGGAGAGCTGGACTTCACGGGG[GC>G]CGGCCGCAAGCACAGCAATGTGAGGCGGGCCTCTGTGGGCGGGGCCCGGGCACCAGGGGG-3'